The following is an entry in ClinVar:

NM_001130144.3(LTBP3):c.76CTG[5] (p.Leu31_Leu35del)

Gene: LTBP3 (latent transforming growth factor beta binding protein 3; minus strand). Cytogenetic location: 11q13.1.
Variant type: Microsatellite.
Coding change: c.76CTG[5] on transcript NM_001130144.3 (MANE Select); five copies in a row of the 3-base unit CTG starting at c.76; the reference has ten copies in a row; five copies, 15 bases deleted.
Protein change: p.Leu31_Leu35del.
Molecular consequence: inframe deletion. On other transcripts: 5 prime UTR variant (1).
Genome position (GRCh38, 1-based): chr11:65,557,855-65,557,869, CAGCAGCAGCAGCAG deleted on the plus strand (CTGCTGCTGCTGCTG on the coding strand, the reverse complement: LTBP3 is on the minus strand); deleting any 15 consecutive bases within chr11:65,557,855-65,557,885 gives the same sequence; the position shown is the placement nearest the transcript's 3' end. VCF-style (leftmost placement, unchanged base first): chr11-65557854-CCAGCAGCAGCAGCAG-C. GRCh37 (hg19) VCF-style: chr11-65325325-CCAGCAGCAGCAGCAG-C.
Other names: c.-272CTG[5] (NM_001164266.1); c.76CTG[5], p.Leu31_Leu35del (NM_021070.4).
Identifiers: ClinVar variation 2714924 (VCV002714924.3), dbSNP rs71036212, ClinGen allele CA679343500.

ClinVar aggregate classification (germline): Uncertain significance (1 of 4 stars; one submission).

Conditions:
Brachyolmia-amelogenesis imperfecta syndrome. Also called: PLATYSPONDYLY WITH AMELOGENESIS IMPERFECTA; Tooth agenesis, selective, 6; Dental anomalies and short stature. Identifiers: Orphanet 2899, MedGen C1832594, MONDO:0011018, OMIM 601216. Disease mechanism: loss of function.

Submission:

Labcorp Genetics (formerly Invitae), Labcorp
Classification: Uncertain significance for Brachyolmia-amelogenesis imperfecta syndrome. Last evaluated: 2026-01-16. Review status: criteria provided, single submitter. Criteria: Invitae Variant Classification Sherloc (09022015). Collection method: clinical testing. Allele origin: germline.
Comment: This variant, c.91_105del, results in the deletion of 5 amino acid(s) of the LTBP3 protein (p.Leu31_Leu35del), but otherwise preserves the integrity of the reading frame. This variant is not present in population databases (gnomAD no frequency). This variant has not been reported in the literature in individuals affected with LTBP3-related conditions. Experimental studies and prediction algorithms are not available or were not evaluated, and the functional significance of this variant is currently unknown. In summary, the available evidence is currently insufficient to determine the role of this variant in disease. Therefore, it has been classified as a Variant of Uncertain Significance.